The following is an entry in ClinVar:

NM_130839.5(UBE3A):c.2239T>G (p.Phe747Val)

Genes: SNHG14 (small nucleolar RNA host gene 14; plus strand), UBE3A (ubiquitin protein ligase E3A; minus strand). Cytogenetic location: 15q11.2.
Variant type: single nucleotide variant.
Coding change: c.2239T>G on transcript NM_130839.5 (MANE Select); coding-DNA position 2239, T replaced by G.
Protein change: p.Phe747Val; replaces phenylalanine 747 with valine.
Molecular consequence: missense variant. On other transcripts: non-coding transcript variant (1), intron variant (3).
Genome position (GRCh38, 1-based): chr15:25,354,569, A>C on the plus strand (T>G on the coding strand, the complement: UBE3A is on the minus strand). VCF-style: chr15-25354569-A-C. GRCh37 (hg19) VCF-style: chr15-25599716-A-C.
Other names: c.2248T>G, p.Phe750Val (NM_000462.5); c.2239T>G, p.Phe747Val (NM_001354505.1, NM_001354538.2); c.2179T>G, p.Phe727Val (NM_001354506.2, NM_001354507.2, NM_001354508.2 and 14 more transcripts); c.2062T>G, p.Phe688Val (NM_001354546.2); c.2014T>G, p.Phe672Val (NM_001354549.2); c.988T>G, p.Phe330Val (NM_001354550.2); c.928T>G, p.Phe310Val (NM_001354551.2); c.2065-143T>G (NM_001354548.2, NM_001354547.2); and 2 more; short protein forms F727V, F310V, F747V, F330V, F688V, F750V, F672V.
Identifiers: ClinVar variation 1364280 (VCV001364280.9), dbSNP rs2076968651, ClinGen allele CA391351694.
Genomic context (GRCh38, chr15:25,354,569, plus strand): 5'-CAGACACCTGCTTTCTTACCCGGCTTCCACATATAAGCAATTCAATTTCTTCTGGTCTGA[A>C]TAAGTACTTTAAGGGAGATTCATTGGTCACCATATGAAAACCTCTCCGAAAAGCCTTGAA-3'
Protein context (NP_570854.1, residues 737-757): VTNESPLKYL[Phe747Val]RPEEIELLIC

ClinVar aggregate classification (germline): Uncertain significance. Review status: criteria provided, multiple submitters, no conflicts (2 of 4 stars). 3 submissions from 3 submitters: Uncertain significance (3). Last evaluated 2026-01-31.

Conditions:
Angelman syndrome (AS). Also called: HAPPY PUPPET SYNDROME. Identifiers: Orphanet 72, MedGen C0162635, MONDO:0007113, OMIM 105830. Disease mechanism: loss of function. Inheritance: AS is caused by disruption of maternally imprinted UBE3A located within the 15q11.2-q13 Angelman syndrome/Prader-Willi syndrome (AS/PWS) region., imprinting disorder.
Inborn genetic diseases. Identifiers: MedGen C0950123, MeSH D030342.

Allele frequency attached by ClinVar (database versions not stated): TOPMed 0.00001.

Submissions (3):

Labcorp Genetics (formerly Invitae), Labcorp
Classification: Uncertain significance for Angelman syndrome. Last evaluated: 2026-01-31. Review status: criteria provided, single submitter. Criteria: Invitae Variant Classification Sherloc (09022015). Collection method: clinical testing. Allele origin: germline.
Comment: This sequence change replaces phenylalanine, which is neutral and non-polar, with valine, which is neutral and non-polar, at codon 727 of the UBE3A protein (p.Phe727Val). This variant is not present in population databases (gnomAD no frequency). This variant has not been reported in the literature in individuals affected with UBE3A-related conditions. ClinVar contains an entry for this variant (Variation ID: 1364280). Invitae Evidence Modeling of protein sequence and biophysical properties (such as structural, functional, and spatial information, amino acid conservation, physicochemical variation, residue mobility, and thermodynamic stability) indicates that this missense variant is expected to disrupt UBE3A protein function with a positive predictive value of 80%. In summary, the available evidence is currently insufficient to determine the role of this variant in disease. Therefore, it has been classified as a Variant of Uncertain Significance.

Ambry Genetics
Classification: Uncertain significance for Inborn genetic diseases. Last evaluated: 2026-01-20. Review status: criteria provided, single submitter. Criteria: Ambry Variant Classification Scheme 2023. Collection method: clinical testing. Allele origin: germline.
Comment: The c.2179T>G (p.F727V) alteration is located in exon 7 (coding exon 7) of the UBE3A gene. This alteration results from a T to G substitution at nucleotide position 2179, causing the phenylalanine (F) at amino acid position 727 to be replaced by a valine (V). This variant was not reported in population-based cohorts in the Genome Aggregation Database (gnomAD). This amino acid position is highly conserved in available vertebrate species. This alteration is predicted to be deleterious by in silico analysis. Based on insufficient or conflicting evidence, the clinical significance of this alteration remains unclear.

Women's Health and Genetics/Laboratory Corporation of America, LabCorp
Classification: Uncertain significance. Last evaluated: 2023-12-20. Review status: criteria provided, single submitter. Criteria: LabCorp Variant Classification Summary - May 2015. Collection method: clinical testing. Allele origin: germline.
Comment: Variant summary: UBE3A c.2179T>G (p.Phe727Val) results in a non-conservative amino acid change located in the HECT domain (IPR000569) of the encoded protein sequence. Five of five in-silico tools predict a damaging effect of the variant on protein function. The variant was absent in 251252 control chromosomes. The available data on variant occurrences in the general population are insufficient to allow any conclusion about variant significance. To our knowledge, no occurrence of c.2179T>G in individuals affected with Angelman Syndrome and no experimental evidence demonstrating its impact on protein function have been reported. One submitter has cited clinical-significance assessments for this variant to ClinVar after 2014 and has classified the variant as uncertain significance. Based on the evidence outlined above, the variant was classified as uncertain significance.